The following is an entry in ClinVar:

ClinVar aggregate classification (germline): Benign/Likely benign. Review status: criteria provided, multiple submitters, no conflicts (2 of 4 stars). 4 submissions from 4 submitters: Benign (1); Likely benign (3). Last evaluated 2026-01-05.

Conditions:
Nephronophthisis. Also called: Juvenile Nephronophthisis. Identifiers: Orphanet 655, MedGen C0687120, MONDO:0019005, HP:0000090.
Senior-Loken syndrome 5 (SLSN5). Identifiers: Orphanet 3156, MedGen C1836517, MONDO:0012225, OMIM 609254.

Allele frequency attached by ClinVar (database versions not stated): gnomAD 0.00015 and 0.00023; gnomAD exomes 0.00018 and 0.00069; TOPMed 0.00036; ExAC 0.00066; 1000 Genomes Project 30x 0.00078; 1000 Genomes Project 0.00100.
gnomAD v4.1: 304 of 1,613,950 alleles (0.019%); highest among the groups gnomAD compares: East Asian, 0.57%; 1 homozygote.

Submissions (4):

Labcorp Genetics (formerly Invitae), Labcorp
Classification: Benign for Nephronophthisis. Last evaluated: 2026-01-05. Review status: criteria provided, single submitter. Criteria: Invitae Variant Classification Sherloc (09022015). Collection method: clinical testing. Allele origin: germline.

Blueprint Genetics
Classification: Likely benign. Last evaluated: 2024-10-30. Review status: criteria provided, single submitter. Criteria: ACMG Guidelines, 2015. Collection method: clinical testing. Allele origin: germline.

Fulgent Genetics
Classification: Likely benign for Senior-Loken syndrome 5. Last evaluated: 2022-01-14. Review status: criteria provided, single submitter. Criteria: ACMG Guidelines, 2015. Collection method: clinical testing. Allele origin: unknown.

Illumina Laboratory Services, Illumina
Classification: Likely benign for Senior-Loken syndrome 5. Last evaluated: 2018-01-12. Review status: criteria provided, single submitter. Criteria: ICSL Variant Classification Criteria 13 December 2019. Collection method: clinical testing. Allele origin: germline.
Comment: This variant was observed in the ICSL laboratory as part of a predisposition screen in an ostensibly healthy population. It had not been previously curated by ICSL or reported in the Human Gene Mutation Database (HGMD: prior to June 1st, 2018), and was therefore a candidate for classification through an automated scoring system. Utilizing variant allele frequency, disease prevalence and penetrance estimates, and inheritance mode, an automated score was calculated to assess if this variant is too frequent to cause the disease. Based on the score and internal cut-off values, a variant classified as likely benign is not then subjected to further curation. The score for this variant resulted in a classification of likely benign for this disease.

NM_001023570.4(IQCB1):c.1311A>G (p.Lys437=)

Gene: IQCB1 (IQ motif containing B1; minus strand). Cytogenetic location: 3q13.33.
Variant type: single nucleotide variant.
Coding change: c.1311A>G on transcript NM_001023570.4 (MANE Select); coding-DNA position 1311, A replaced by G.
Protein change: p.Lys437=; no amino-acid change (lysine 437 retained).
Molecular consequence: synonymous variant. On other transcripts: non-coding transcript variant (1).
Genome position (GRCh38, 1-based): chr3:121,781,842, T>C on the plus strand (A>G on the coding strand, the complement: IQCB1 is on the minus strand). VCF-style: chr3-121781842-T-C. GRCh37 (hg19) VCF-style: chr3-121500689-T-C.
Other names: c.912A>G, p.Lys304= (NM_001023571.4); c.1311A>G, p.Lys437= (NM_001319107.2).
Identifiers: ClinVar variation 698312 (VCV000698312.16), dbSNP rs142536967, ClinGen allele CA2567128.